The following is an entry in ClinVar:

NM_001844.5(COL2A1):c.856G>A (p.Val286Ile)

Gene: COL2A1 (collagen type II alpha 1 chain; minus strand). Cytogenetic location: 12q13.11.
Variant type: single nucleotide variant.
Coding change: c.856G>A on transcript NM_001844.5 (MANE Select); coding-DNA position 856, G replaced by A.
Protein change: p.Val286Ile; replaces valine 286 with isoleucine.
Molecular consequence: missense variant.
Genome position (GRCh38, 1-based): chr12:47,994,008, C>T on the plus strand (G>A on the coding strand, the complement: COL2A1 is on the minus strand). VCF-style: chr12-47994008-C-T. GRCh37 (hg19) VCF-style: chr12-48387791-C-T.
Other names: c.649G>A, p.Val217Ile (NM_033150.3); short protein forms V217I, V286I.
Identifiers: ClinVar variation 1956781 (VCV001956781.5), dbSNP rs1939829618, ClinGen allele CA384522305.

ClinVar aggregate classification (germline): Uncertain significance (1 of 4 stars; one submission).

Allele frequency attached by ClinVar (database versions not stated): gnomAD exomes below 0.00001; TOPMed below 0.00001.
gnomAD v4.1: 5 of 1,614,162 alleles (0.00031%); highest among the groups gnomAD compares: Middle Eastern, 0.033%; no homozygotes.

Submission:

Labcorp Genetics (formerly Invitae), Labcorp
Classification: Uncertain significance. Last evaluated: 2023-10-03. Review status: criteria provided, single submitter. Criteria: Invitae Variant Classification Sherloc (09022015). Collection method: clinical testing. Allele origin: germline.
Comment: This sequence change replaces valine, which is neutral and non-polar, with isoleucine, which is neutral and non-polar, at codon 286 of the COL2A1 protein (p.Val286Ile). This variant is not present in population databases (gnomAD no frequency). This variant has not been reported in the literature in individuals affected with COL2A1-related conditions. ClinVar contains an entry for this variant (Variation ID: 1956781). Advanced modeling of protein sequence and biophysical properties (such as structural, functional, and spatial information, amino acid conservation, physicochemical variation, residue mobility, and thermodynamic stability) performed at Invitae indicates that this missense variant is not expected to disrupt COL2A1 protein function. In summary, the available evidence is currently insufficient to determine the role of this variant in disease. Therefore, it has been classified as a Variant of Uncertain Significance.